The following is an entry in ClinVar:

NM_005529.7(HSPG2):c.10090C>T (p.Arg3364Cys)

Gene: HSPG2 (heparan sulfate proteoglycan 2; minus strand). Cytogenetic location: 1p36.12.
Variant type: single nucleotide variant.
Coding change: c.10090C>T on transcript NM_005529.7 (MANE Select); coding-DNA position 10090, C replaced by T.
Protein change: p.Arg3364Cys; replaces arginine 3364 with cysteine.
Molecular consequence: missense variant.
Genome position (GRCh38, 1-based): chr1:21,838,885, G>A on the plus strand (C>T on the coding strand, the complement: HSPG2 is on the minus strand). VCF-style: chr1-21838885-G-A. GRCh37 (hg19) VCF-style: chr1-22165378-G-A.
Other names: c.10093C>T, p.Arg3365Cys (NM_001291860.2); short protein forms R3365C, R3364C.
Identifiers: ClinVar variation 4979805 (VCV004979805.1).

ClinVar aggregate classification (germline): Uncertain significance (1 of 4 stars; one submission).

Conditions:
HSPG2-related disorder. Also called: HSPG2-related condition; HSPG2-related disorders.

gnomAD v4.1: 90 of 1,612,482 alleles (0.0056%); highest among the groups gnomAD compares: East Asian, 0.0089%; no homozygotes.

Submission:

PreventionGenetics, part of Exact Sciences
Classification: Uncertain significance for HSPG2-related condition. Last evaluated: 2024-11-25. Review status: criteria provided, single submitter. Criteria: ACMG Guidelines, 2015. Collection method: clinical testing. Allele origin: germline.
Comment: The HSPG2 c.10090C>T variant is predicted to result in the amino acid substitution p.Arg3364Cys. To our knowledge, this variant has not been reported in the literature. This variant is reported in 0.011% of alleles in individuals of East Asian descent in gnomAD. At this time, the clinical significance of this variant is uncertain due to the absence of conclusive functional and genetic evidence.